The following is an entry in ClinVar:

ClinVar aggregate classification (germline): Uncertain significance (1 of 4 stars; one submission).

Submission:

GeneDx
Classification: Uncertain significance. Last evaluated: 2022-03-31. Review status: criteria provided, single submitter. Criteria: GeneDx Variant Classification Process June 2021. Collection method: clinical testing. Allele origin: germline. Affected: yes.
Comment: Not observed at significant frequency in large population cohorts (gnomAD); In silico analysis supports that this missense variant has a deleterious effect on protein structure/function; Has not been previously published as pathogenic or benign to our knowledge

NM_001277115.2(DNAH11):c.7426G>C (p.Asp2476His)

Gene: DNAH11 (dynein axonemal heavy chain 11; plus strand). Cytogenetic location: 7p15.3.
Variant type: single nucleotide variant.
Coding change: c.7426G>C on transcript NM_001277115.2 (MANE Select); coding-DNA position 7426, G replaced by C.
Protein change: p.Asp2476His; replaces aspartic acid 2476 with histidine.
Molecular consequence: missense variant.
Genome position (GRCh38, 1-based): chr7:21,725,970, G>C. VCF-style: chr7-21725970-G-C. GRCh37 (hg19) VCF-style: chr7-21765588-G-C.
Other names: c.7447G>C, p.Asp2483His (NM_003777.3); short protein forms D2476H, D2483H.
Identifiers: ClinVar variation 1707847 (VCV001707847.2), dbSNP rs2535043045, ClinGen allele CA366946090.
Genomic context (GRCh38, chr7:21,725,970, plus strand): 5'-CACAAAACTAAGAAATTATTGCCCTGGGCTGACAAAATTGCCCAGTTTACTATGGATCCA[G>C]ATGTGCCTCTGCAGGTAGGTGTGTGGAACATAGCAATTGTATTAGTCTGTTTTCATATTG-3'
Protein context (NP_001264044.1, residues 2466-2486): DKIAQFTMDP[Asp2476His]VPLQTVLVHT